The following is an entry in ClinVar:

ClinVar aggregate classification (germline): Uncertain significance. Review status: criteria provided, multiple submitters, no conflicts (2 of 4 stars). 2 submissions from 2 submitters: Uncertain significance (2). Last evaluated 2025-08-30.

Conditions:
Malignant hyperthermia, susceptibility to, 1 (MHS1). Also called: Anesthesia related hyperthermia; Malignant hyperpyrexia; Fulminating hyperpyrexia; Pharmacogenic myopathy; RYR1-Related Malignant Hyperthermia Susceptibility; Malignant hyperthermia suceptibility 1. Identifiers: Orphanet 423, MedGen C2930980, MONDO:0007783, OMIM 145600.

Allele frequency attached by ClinVar (database versions not stated): TOPMed below 0.00001; gnomAD exomes 0.00001.
gnomAD v4.1: 4 of 1,612,610 alleles (0.00025%); highest among the groups gnomAD compares: Non-Finnish European, 0.00034%; no homozygotes.

Submissions (2):

Color Diagnostics, LLC DBA Color Health
Classification: Uncertain significance for Malignant hyperthermia, susceptibility to, 1. Last evaluated: 2025-08-30. Review status: criteria provided, single submitter. Criteria: ACMG Guidelines, 2015. Collection method: clinical testing. Allele origin: germline.
Comment: This missense variant replaces glutamic acid with valine at codon 79 of the RYR1 protein. Computational prediction suggests that this variant may have deleterious impact on protein structure and function. To our knowledge, functional studies have not been reported for this variant. This variant has not been reported in individuals affected with RYR1-related disorders in the literature. This variant has not been identified in the general population by the Genome Aggregation Database (gnomAD). The available evidence is insufficient to determine the role of this variant in disease conclusively. Therefore, this variant is classified as a Variant of Uncertain Significance.

MGZ Medical Genetics Center
Classification: Uncertain significance for Malignant hyperthermia, susceptibility to, 1. Last evaluated: 2022-05-17. Review status: criteria provided, single submitter. Criteria: ACMG Guidelines, 2015. Collection method: clinical testing. Allele origin: germline. Affected: yes. Observed: 1 variant allele.
Comment: ACMG criteria applied: PM2_SUP, PP3

NM_000540.3(RYR1):c.236A>T (p.Glu79Val)

Gene: RYR1 (ryanodine receptor 1; plus strand). Cytogenetic location: 19q13.2.
Variant type: single nucleotide variant.
Coding change: c.236A>T on transcript NM_000540.3 (MANE Select); coding-DNA position 236, A replaced by T.
Protein change: p.Glu79Val; replaces glutamic acid 79 with valine.
Molecular consequence: missense variant.
Genome position (GRCh38, 1-based): chr19:38,442,419, A>T. VCF-style: chr19-38442419-A-T. GRCh37 (hg19) VCF-style: chr19-38933059-A-T.
Other names: c.236A>T, p.Glu79Val (NM_001042723.2); short protein forms E79V.
Identifiers: ClinVar variation 1709454 (VCV001709454.3), dbSNP rs1972734595, ClinGen allele CA405674279.